The following is an entry in ClinVar:

ClinVar aggregate classification (germline): Benign/Likely benign. Review status: criteria provided, multiple submitters, no conflicts (2 of 4 stars). 8 submissions from 7 submitters: Benign (5); Likely benign (2). 1 of the submissions does not count toward it. Last evaluated 2026-01-11.

Conditions:
RAB3GAP2-related disorder. Also called: RAB3GAP2-related condition; RAB3GAP2-related disorders.
Warburg micro syndrome 2 (WARBM2). Also called: MICRO SYNDROME 2. Identifiers: Orphanet 2510, MedGen C3280214, MONDO:0013641, OMIM 614225.
Martsolf syndrome (MARTS). Also called: Congenital cataract with intellectual disability and hypogonadotropic hypogonadism syndrome. Identifiers: Orphanet 1387, MedGen C0796037, MONDO:0023910.

Allele frequency attached by ClinVar (database versions not stated): ExAC 0.00107; 1000 Genomes Project 30x 0.00312; gnomAD 0.00338; 1000 Genomes Project 0.00339; TOPMed 0.00395; ESP Exome Variant Server 0.00438.
gnomAD v4.1: 996 of 1,612,084 alleles (0.062%); highest among the groups gnomAD compares: African/African-American, 1.2%; 7 homozygotes.

Submissions (8):

Labcorp Genetics (formerly Invitae), Labcorp
Classification: Benign for Martsolf syndrome; Warburg micro syndrome 2. Last evaluated: 2026-01-11. Review status: criteria provided, single submitter. Criteria: Invitae Variant Classification Sherloc (09022015). Collection method: clinical testing. Allele origin: germline.

CeGaT Center for Human Genetics Tuebingen
Classification: Likely benign. Last evaluated: 2025-03-01. Review status: criteria provided, single submitter. Criteria: CeGaT Center For Human Genetics Tuebingen Variant Classification Criteria Version 2. Collection method: clinical testing. Allele origin: germline. Affected: yes. Observed: 1 variant allele.
Comment: RAB3GAP2: BP4, BP7, BS1

Blueprint Genetics
Classification: Likely benign. Last evaluated: 2024-11-01. Review status: criteria provided, single submitter. Criteria: ACMG Guidelines, 2015. Collection method: clinical testing. Allele origin: germline.

Illumina Laboratory Services, Illumina
Classification: Benign for Martsolf syndrome 1. Last evaluated: 2018-01-13. Review status: criteria provided, single submitter. Criteria: ICSL Variant Classification Criteria 13 December 2019. Collection method: clinical testing. Allele origin: germline.
Comment: This variant was observed in the ICSL laboratory as part of a predisposition screen in an ostensibly healthy population. It had not been previously curated by ICSL or reported in the Human Gene Mutation Database (HGMD: prior to June 1st, 2018), and was therefore a candidate for classification through an automated scoring system. Utilizing variant allele frequency, disease prevalence and penetrance estimates, and inheritance mode, an automated score was calculated to assess if this variant is too frequent to cause the disease. Based on the score and internal cut-off values, a variant classified as benign is not then subjected to further curation. The score for this variant resulted in a classification of benign for this disease.

Illumina Laboratory Services, Illumina
Classification: Benign for Warburg micro syndrome 2. Last evaluated: 2018-01-13. Review status: criteria provided, single submitter. Criteria: ICSL Variant Classification Criteria 13 December 2019. Collection method: clinical testing. Allele origin: germline.
Comment: the same text as in the submission from Illumina Laboratory Services, Illumina above.

Genetic Services Laboratory, University of Chicago
Classification: Benign. Last evaluated: 2015-12-03. Review status: criteria provided, single submitter. Criteria: ACMG Guidelines, 2015. Collection method: clinical testing. Allele origin: germline. Affected: no.

GeneDx
Classification: Benign. Last evaluated: 2015-09-18. Review status: criteria provided, single submitter. Criteria: GeneDx Variant Classification (06012015). Collection method: clinical testing. Allele origin: germline. Affected: yes.
Comment: This variant is considered likely benign or benign based on one or more of the following criteria: it is a conservative change, it occurs at a poorly conserved position in the protein, it is predicted to be benign by multiple in silico algorithms, and/or has population frequency not consistent with disease.

PreventionGenetics, part of Exact Sciences
Classification: Benign for RAB3GAP2-related condition. Last evaluated: 2019-06-03. Review status: no assertion criteria provided. Collection method: clinical testing. Allele origin: germline. Not counted in ClinVar's aggregate classification.
Comment: This variant is classified as benign based on ACMG/AMP sequence variant interpretation guidelines (Richards et al. 2015 PMID: 25741868, with internal and published modifications).

NM_012414.4(RAB3GAP2):c.3924G>C (p.Thr1308=)

Gene: RAB3GAP2 (RAB3 GTPase activating non-catalytic protein subunit 2; minus strand). Cytogenetic location: 1q41.
Variant type: single nucleotide variant.
Coding change: c.3924G>C on transcript NM_012414.4 (MANE Select); coding-DNA position 3924, G replaced by C.
Protein change: p.Thr1308=; no amino-acid change (threonine 1308 retained).
Molecular consequence: synonymous variant.
Genome position (GRCh38, 1-based): chr1:220,151,708, C>G on the plus strand (G>C on the coding strand, the complement: RAB3GAP2 is on the minus strand). VCF-style: chr1-220151708-C-G. GRCh37 (hg19) VCF-style: chr1-220325050-C-G.
Identifiers: ClinVar variation 211988 (VCV000211988.28), dbSNP rs73098539, ClinGen allele CA209370.